The following is an entry in ClinVar:

NC_000020.10:g.(?_3063276)_(3903941_?)del

Genes: ADAM33 (ADAM metallopeptidase domain 33; minus strand), ADISSP (adipose secreted signaling protein; minus strand), AP5S1 (adaptor related protein complex 5 subunit sigma 1; plus strand), ATRN (attractin; plus strand), AVP (arginine vasopressin; minus strand) and 16 more. Cytogenetic location: 20p13.
Variant type: Deletion.
Identifiers: ClinVar variation 2426797 (VCV002426797.4).

ClinVar aggregate classification (germline): Pathogenic (1 of 4 stars; one submission).

Submission:

Labcorp Genetics (formerly Invitae), Labcorp
Classification: Pathogenic. Last evaluated: 2022-06-22. Review status: criteria provided, single submitter. Criteria: Invitae Variant Classification Sherloc (09022015). Collection method: clinical testing. Allele origin: germline.
Comment: For these reasons, this variant has been classified as Pathogenic. This variant has not been reported in the literature in individuals affected with DDRGK1-related conditions. A gross deletion of the genomic region encompassing the full coding sequence of the DDRGK1 gene has been identified. Loss-of-function variants in DDRGK1 are known to be pathogenic (PMID: 28263186). The boundaries of this event are unknown as they extend beyond the assayed region for this gene and therefore may encompass additional genes.

Literature cited by the submitters: PubMed 28263186.